The following is an entry in ClinVar:

ClinVar aggregate classification (germline): Conflicting classifications of pathogenicity. Review status: criteria provided, conflicting classifications (1 of 4 stars). 7 submissions from 5 submitters: Uncertain significance (2); Benign (3); Likely benign (2). Last evaluated 2026-01-26.

Conditions:
Hereditary spherocytosis type 3. Also called: SPTA1-Related Spherocytosis; Spherocytosis type 3. Identifiers: Orphanet 822, MedGen C2678338, MONDO:0010053, OMIM 270970.
Pyropoikilocytosis, hereditary. Also called: Pyropoikilocytosis. Identifiers: MedGen C0520739, MONDO:0009948, OMIM 266140, HP:0004839. Disease mechanism: loss of function.
Elliptocytosis 2 (EL2). Also called: ELLIPTOCYTOSIS, RHESUS-UNLINKED TYPE. Identifiers: Orphanet 288, MedGen C1851741, MONDO:0007533, OMIM 130600.

Allele frequency attached by ClinVar (database versions not stated): 1000 Genomes Project 30x 0.00125; 1000 Genomes Project 0.00140; gnomAD exomes 0.00248 and 0.00367; gnomAD 0.00250 and 0.00260; TOPMed 0.00301; ExAC 0.00314; ESP Exome Variant Server 0.00368.
gnomAD v4.1: 4,231 of 1,613,694 alleles (0.26%); highest among the groups gnomAD compares: Middle Eastern, 2%; 47 homozygotes.

Submissions (7):

Labcorp Genetics (formerly Invitae), Labcorp
Classification: Benign. Last evaluated: 2026-01-26. Review status: criteria provided, single submitter. Criteria: Invitae Variant Classification Sherloc (09022015). Collection method: clinical testing. Allele origin: germline.

ARUP Laboratories, Molecular Genetics and Genomics, ARUP Laboratories
Classification: Benign. Last evaluated: 2024-10-30. Review status: criteria provided, single submitter. Criteria: ARUP Molecular Germline Variant Investigation Process 2024. Collection method: clinical testing. Allele origin: germline.

CeGaT Center for Human Genetics Tuebingen
Classification: Likely benign. Last evaluated: 2024-10-01. Review status: criteria provided, single submitter. Criteria: CeGaT Center For Human Genetics Tuebingen Variant Classification Criteria Version 2. Collection method: clinical testing. Allele origin: germline. Affected: yes. Observed: 5 variant alleles.
Comment: SPTA1: BP4, BP7

Mayo Clinic Laboratories, Mayo Clinic
Classification: Benign. Last evaluated: 2023-03-02. Review status: criteria provided, single submitter. Criteria: ACMG Guidelines, 2015. Collection method: clinical testing. Allele origin: germline. Observed: 15 variant alleles.
Comment: BS1, BS2, BP4, BP7

Illumina Laboratory Services, Illumina
Classification: Uncertain significance for Pyropoikilocytosis, hereditary. Last evaluated: 2018-01-12. Review status: criteria provided, single submitter. Criteria: ICSL Variant Classification Criteria 13 December 2019. Collection method: clinical testing. Allele origin: germline.

Illumina Laboratory Services, Illumina
Classification: Likely benign for Elliptocytosis 2. Last evaluated: 2018-01-12. Review status: criteria provided, single submitter. Criteria: ICSL Variant Classification Criteria 13 December 2019. Collection method: clinical testing. Allele origin: germline.
Comment: This variant was observed in the ICSL laboratory as part of a predisposition screen in an ostensibly healthy population. It had not been previously curated by ICSL or reported in the Human Gene Mutation Database (HGMD: prior to June 1st, 2018), and was therefore a candidate for classification through an automated scoring system. Utilizing variant allele frequency, disease prevalence and penetrance estimates, and inheritance mode, an automated score was calculated to assess if this variant is too frequent to cause the disease. Based on the score and internal cut-off values, a variant classified as likely benign is not then subjected to further curation. The score for this variant resulted in a classification of likely benign for this disease.

Illumina Laboratory Services, Illumina
Classification: Uncertain significance for Hereditary spherocytosis type 3. Last evaluated: 2018-01-12. Review status: criteria provided, single submitter. Criteria: ICSL Variant Classification Criteria 13 December 2019. Collection method: clinical testing. Allele origin: germline.

NM_003126.4(SPTA1):c.798A>G (p.Leu266=)

Gene: SPTA1 (spectrin alpha, erythrocytic 1; minus strand). Cytogenetic location: 1q23.1.
Variant type: single nucleotide variant.
Coding change: c.798A>G on transcript NM_003126.4 (MANE Select); coding-DNA position 798, A replaced by G.
Protein change: p.Leu266=; no amino-acid change (leucine 266 retained).
Molecular consequence: synonymous variant.
Genome position (GRCh38, 1-based): chr1:158,678,415, T>C on the plus strand (A>G on the coding strand, the complement: SPTA1 is on the minus strand). VCF-style: chr1-158678415-T-C. GRCh37 (hg19) VCF-style: chr1-158648205-T-C.
Other names: p.Leu266=.
Identifiers: ClinVar variation 293047 (VCV000293047.48), dbSNP rs36058424, ClinGen allele CA1184033.
Genomic context (GRCh38, chr1:158,678,415, plus strand): 5'-ATAAAGCACTTCAAAGTTTTCTATAAAGCAGTGGCCAGATCCATACCTTTTGAATCGTTG[T>C]AAGTTTGCAGCATTGGACAGAGCTTTCTGTCTCTGGAGAGCCAAACCACGAAGGCGCTCC-3'
Protein context (NP_003117.2, residues 256-276): RQKALSNAAN[Leu266=]QRFKRDVTEA